The following is an entry in ClinVar:

ClinVar aggregate classification (germline): Conflicting classifications of pathogenicity. Review status: criteria provided, conflicting classifications (1 of 4 stars). 11 submissions from 7 submitters: Uncertain significance (10); Likely benign (1). Last evaluated 2026-06-05.

Conditions:
TTN-related disorder. Also called: TTN-related condition; TTN-related disease; TTN-related disorders.
Myopathy, myofibrillar, 9, with early respiratory failure (MFM9). Also called: Myopathy, distal, with early respiratory failure, autosomal dominant; MYOPATHY, PROXIMAL, WITH EARLY RESPIRATORY MUSCLE INVOLVEMENT; Hereditary myopathy with early respiratory failure; EDSTROM MYOPATHY. Identifiers: Orphanet 178464, Orphanet 34521, MedGen C1863599, MONDO:0011362, OMIM 603689.
Autosomal recessive limb-girdle muscular dystrophy type 2J (LGMDR10). Also called: Limb-girdle muscular dystrophy, type 2J; MUSCULAR DYSTROPHY, LIMB-GIRDLE, AUTOSOMAL RECESSIVE 10. Identifiers: Orphanet 140922, MedGen C1837342, MONDO:0012127, OMIM 608807.
Early-onset myopathy with fatal cardiomyopathy (CMYO5). Also called: Salih Myopathy; CONGENITAL MYOPATHY 5 WITH CARDIOMYOPATHY. Identifiers: Orphanet 289377, MedGen C2673677, MONDO:0012714, OMIM 611705. Disease mechanism: loss of function.
Tibial muscular dystrophy (TMD). Also called: Tibial muscular dystrophy, tardive; Udd Distal Myopathy – Tibial Muscular Dystrophy; UDD MYOPATHY. Identifiers: Orphanet 609, MedGen C1838244, MONDO:0010870, OMIM 600334.
Dilated cardiomyopathy 1G (CMD1G). Identifiers: Orphanet 154, MedGen C1858763, MONDO:0011400, OMIM 604145.

Allele frequency attached by ClinVar (database versions not stated): gnomAD exomes 0.00002; gnomAD 0.00004; ExAC 0.00005.

Submissions (11):

PreventionGenetics, part of Exact Sciences
Classification: Uncertain significance for TTN-related condition. Last evaluated: 2026-06-05. Review status: criteria provided, single submitter. Criteria: ACMG Guidelines, 2015. Collection method: clinical testing. Allele origin: germline.
Comment: The TTN c.36776C>T variant is predicted to result in the amino acid substitution p.Ala12259Val. This variant has been reported in an individual with dilated cardiomyopathy (Sample 5 in Table S3, Fomin et al. 2021. PubMed ID: 34731013). This variant is reported in 0.0052% of alleles in individuals of European (Non-Finnish) descent in gnomAD. At this time, the clinical significance of this variant is uncertain due to the absence of conclusive functional and genetic evidence.

Women's Health and Genetics/Laboratory Corporation of America, LabCorp
Classification: Uncertain significance. Last evaluated: 2024-12-23. Review status: criteria provided, single submitter. Criteria: LabCorp Variant Classification Summary - May 2015. Collection method: clinical testing. Allele origin: germline.
Comment: Variant summary: TTN c.31559C>T (p.Ala10520Val) results in a non-conservative amino acid change located in the I-band domain of the encoded protein sequence. Two of three in-silico tools predict a benign effect of the variant on protein function. The variant allele was found at a frequency of 1.9e-05 in 105718 control chromosomes (gnomAD). The available data on variant occurrences in the general population are insufficient to allow any conclusion about variant significance. c.31559C>T has been reported in the literature in one individual affected with dilated cardiomyopathy (Fomin_2021). These report does not provide unequivocal conclusions about association of the variant with Autosomal Recessive Titinopathy. To our knowledge, no experimental evidence demonstrating an impact on protein function has been reported. The following publication have been ascertained in the context of this evaluation (PMID: 34731013). ClinVar contains an entry for this variant (Variation ID: 194580). Based on the evidence outlined above, the variant was classified as uncertain significance.

Revvity Omics, Revvity
Classification: Uncertain significance. Last evaluated: 2020-10-05. Review status: criteria provided, single submitter. Criteria: ACMG Guidelines, 2015. Collection method: clinical testing. Allele origin: germline.

GeneDx
Classification: Likely benign. Last evaluated: 2018-07-02. Review status: criteria provided, single submitter. Criteria: GeneDx Variant Classification Process June 2021. Collection method: clinical testing. Allele origin: germline. Affected: yes.

Illumina Laboratory Services, Illumina
Classification: Uncertain significance for Myopathy, myofibrillar, 9, with early respiratory failure. Last evaluated: 2018-01-13. Review status: criteria provided, single submitter. Criteria: ICSL Variant Classification Criteria 13 December 2019. Collection method: clinical testing. Allele origin: germline.

Illumina Laboratory Services, Illumina
Classification: Uncertain significance for Dilated cardiomyopathy 1G. Last evaluated: 2018-01-13. Review status: criteria provided, single submitter. Criteria: ICSL Variant Classification Criteria 13 December 2019. Collection method: clinical testing. Allele origin: germline.

Illumina Laboratory Services, Illumina
Classification: Uncertain significance for Tibial muscular dystrophy. Last evaluated: 2018-01-13. Review status: criteria provided, single submitter. Criteria: ICSL Variant Classification Criteria 13 December 2019. Collection method: clinical testing. Allele origin: germline.

Illumina Laboratory Services, Illumina
Classification: Uncertain significance for Autosomal recessive limb-girdle muscular dystrophy type 2J. Last evaluated: 2018-01-13. Review status: criteria provided, single submitter. Criteria: ICSL Variant Classification Criteria 13 December 2019. Collection method: clinical testing. Allele origin: germline.

Illumina Laboratory Services, Illumina
Classification: Uncertain significance for Early-onset myopathy with fatal cardiomyopathy. Last evaluated: 2018-01-13. Review status: criteria provided, single submitter. Criteria: ICSL Variant Classification Criteria 13 December 2019. Collection method: clinical testing. Allele origin: germline.

Athena Diagnostics
Classification: Uncertain significance. Last evaluated: 2016-12-07. Review status: criteria provided, single submitter. Criteria: Athena Diagnostics Criteria. Collection method: clinical testing. Allele origin: germline.

Eurofins Ntd Llc (ga)
Classification: Uncertain significance. Last evaluated: 2015-02-10. Review status: criteria provided, single submitter. Criteria: EGL Classification Definitions 2015. Collection method: clinical testing. Allele origin: germline. Observed: 1 variant allele, 1 heterozygote.

Literature cited by the submitters: PubMed 34731013 (cited by Women's Health and Genetics/Laboratory Corporation of America, LabCorp).

NM_001267550.2(TTN):c.36776C>T (p.Ala12259Val)

Gene: TTN (titin; minus strand). Cytogenetic location: 2q31.2.
Variant type: single nucleotide variant.
Coding change: c.36776C>T on transcript NM_001267550.2 (MANE Select); coding-DNA position 36776, C replaced by T.
Protein change: p.Ala12259Val; replaces alanine 12259 with valine.
Molecular consequence: missense variant. On other transcripts: intron variant (3).
Genome position (GRCh38, 1-based): chr2:178,662,980, G>A on the plus strand (C>T on the coding strand, the complement: TTN is on the minus strand). VCF-style: chr2-178662980-G-A. GRCh37 (hg19) VCF-style: chr2-179527707-G-A.
Other names: c.34340C>T, p.Ala11447Val (NM_001256850.1); c.31559C>T, p.Ala10520Val (NM_133378.4); c.13283-20663C>T (NM_003319.4); c.13859-20663C>T (NM_133437.4); c.13658-20663C>T (NM_133432.3); c.36776C>T (LRG_391t1); short protein forms A12259V, A10520V, A11447V.
Identifiers: ClinVar variation 194580 (VCV000194580.16), dbSNP rs755562550, ClinGen allele CA240621.
Genomic context (GRCh38, chr2:178,662,980, plus strand): 5'-GTCTTTCCCCAGGGCCCCCCGACTGACAATGTGTAATGATACCTACCTTTAGGAGGTGGA[G>A]CTTCTGGCTTTTTGGCAGGAGGCACCGGTACTTTCTTTTCTGGGACCACTTCCTTCGGTG-3'
Protein context (NP_001254479.2, residues 12249-12269): VPVPPAKKPE[Ala12259Val]PPPKVPEAPK